The following is an entry in ClinVar:

NM_152703.5(SAMD9L):c.982T>C (p.Cys328Arg)

Gene: SAMD9L (sterile alpha motif domain containing 9 like; minus strand). Cytogenetic location: 7q21.2.
Variant type: single nucleotide variant.
Coding change: c.982T>C on transcript NM_152703.5 (MANE Select); coding-DNA position 982, T replaced by C.
Protein change: p.Cys328Arg; replaces cysteine 328 with arginine.
Molecular consequence: missense variant.
Genome position (GRCh38, 1-based): chr7:93,134,990, A>G on the plus strand (T>C on the coding strand, the complement: SAMD9L is on the minus strand). VCF-style: chr7-93134990-A-G. GRCh37 (hg19) VCF-style: chr7-92764303-A-G.
Other names: c.982T>C, p.Cys328Arg (NM_001303496.3, NM_001303497.3, NM_001303498.3 and 5 more transcripts); short protein forms C328R.
Identifiers: ClinVar variation 1508269 (VCV001508269.6), dbSNP rs2116500264, ClinGen allele CA368199515.

ClinVar aggregate classification (germline): Uncertain significance (1 of 4 stars; one submission).

Allele frequency attached by ClinVar (database versions not stated): gnomAD exomes below 0.00001.
gnomAD v4.1: 1 of 1,613,424 alleles (0.000062%); highest among the groups gnomAD compares: Non-Finnish European, 0.000085%; no homozygotes.

Submission:

Labcorp Genetics (formerly Invitae), Labcorp
Classification: Uncertain significance. Last evaluated: 2023-11-01. Review status: criteria provided, single submitter. Criteria: Invitae Variant Classification Sherloc (09022015). Collection method: clinical testing. Allele origin: germline.
Comment: This sequence change replaces cysteine, which is neutral and slightly polar, with arginine, which is basic and polar, at codon 328 of the SAMD9L protein (p.Cys328Arg). This variant is not present in population databases (gnomAD no frequency). This variant has not been reported in the literature in individuals affected with SAMD9L-related conditions. ClinVar contains an entry for this variant (Variation ID: 1508269). An algorithm developed to predict the effect of missense changes on protein structure and function (PolyPhen-2) suggests that this variant is likely to be tolerated. In summary, the available evidence is currently insufficient to determine the role of this variant in disease. Therefore, it has been classified as a Variant of Uncertain Significance.